The following is an entry in ClinVar:

NM_172351.3(CD46):c.404del (p.Gly135fs)

Gene: CD46 (CD46 molecule; plus strand). Cytogenetic location: 1q32.2.
Variant type: Deletion.
Coding change: c.404del on transcript NM_172351.3 (MANE Select); coding-DNA position 404, one base deleted (G; older notation c.404delG).
Protein change: p.Gly135fs; shifts the reading frame from glycine 135.
Molecular consequence: frameshift variant.
Genome position (GRCh38, 1-based): chr1:207,759,653, G deleted; the last of 2 consecutive G bases (chr1:207,759,652-207,759,653); deleting either gives the same sequence. VCF-style (leftmost placement, unchanged base first): chr1-207759651-TG-T. GRCh37 (hg19) VCF-style: chr1-207932996-TG-T.
Other names: c.404del, p.Gly135fs (NM_002389.4, NM_153826.4, NM_172350.3 and 8 more transcripts); short protein forms G135fs.
Identifiers: ClinVar variation 635500 (VCV000635500.3), dbSNP rs1571588257, ClinGen allele CA913189402.

ClinVar aggregate classification (germline): Pathogenic. Review status: criteria provided, single submitter (1 of 4 stars). 2 submissions from 2 submitters: Pathogenic (1). 1 of the submissions does not count toward it. Last evaluated 2025-10-02.

Conditions:
Atypical hemolytic-uremic syndrome with MCP/CD46 anomaly. Also called: HEMOLYTIC UREMIC SYNDROME, ATYPICAL, SUSCEPTIBILITY TO, 2; AHUS, SUSCEPTIBILITY TO, 2. Identifiers: Orphanet 2134, MedGen C2752040, MONDO:0013040, OMIM 612922.
Atypical hemolytic-uremic syndrome. Identifiers: Orphanet 2134, MedGen C2931788, MONDO:0016244.

Submissions (2):

Genomenon, Inc
Classification: Pathogenic for Atypical hemolytic-uremic syndrome. Last evaluated: 2025-10-02. Review status: criteria provided, single submitter. Criteria: Genomenon Sequence Variant Interpretation Standards. Collection method: curation. Allele origin: germline. Affected: yes.
Comment: CD46 p.Gly135ValfsTer13 (c.404del) is a frameshift variant that results in the production of a truncated protein which is predicted to undergo nonsense-mediated mRNA decay. This variant has been observed in at least one proband affected with atypical hemolytic-uremic syndrome (PMID:20059470). The variant was found to segregate with disease in at least one affected family (PMID:20059470). It is absent or not present at a significant frequency in gnomAD. In conclusion, we classify CD46 p.Gly135ValfsTer13 (c.404del) as a pathogenic variant.

Bioscientia Institut fuer Medizinische Diagnostik GmbH, Sonic Healthcare
Classification: Pathogenic for Atypical hemolytic-uremic syndrome with MCP/CD46 anomaly. Last evaluated: 2018-10-23. Review status: no assertion criteria provided. Collection method: clinical testing. Allele origin: germline. Affected: yes. Not counted in ClinVar's aggregate classification.

Literature cited by the submitters: PubMed 20059470 (cited by Genomenon, Inc).